The following is an entry in ClinVar:

NM_001364905.1(LRBA):c.4322G>A (p.Arg1441Gln)

Gene: LRBA (LPS responsive beige-like anchor protein; minus strand). Cytogenetic location: 4q31.3.
Variant type: single nucleotide variant.
Coding change: c.4322G>A on transcript NM_001364905.1 (MANE Select); coding-DNA position 4322, G replaced by A.
Protein change: p.Arg1441Gln; replaces arginine 1441 with glutamine.
Molecular consequence: missense variant.
Genome position (GRCh38, 1-based): chr4:150,848,835, C>T on the plus strand (G>A on the coding strand, the complement: LRBA is on the minus strand). VCF-style: chr4-150848835-C-T. GRCh37 (hg19) VCF-style: chr4-151769987-C-T.
Other names: c.4322G>A, p.Arg1441Gln (NM_001199282.3, NM_001367550.1, NM_006726.5); short protein forms R1441Q.
Identifiers: ClinVar variation 1908180 (VCV001908180.5), dbSNP rs1478911025, ClinGen allele CA358452631.
Genomic context (GRCh38, chr4:150,848,835, plus strand): 5'-AAAATTTTTTTTAGTAAATTCCCAACGGTTTTTAGCAGCTCACCTAGTCGGAGACACTGC[C>T]GCAAAATTCCTCCAGATGACATACTTTTTTCAGCTTCAATTTCAGTAAAGCCAAGAGAAC-3'
Protein context (NP_001351834.1, residues 1431-1451): EKSMSSGGIL[Arg1441Gln]QCLRLVCAVA

ClinVar aggregate classification (germline): Uncertain significance (1 of 4 stars; one submission).

Conditions:
Combined immunodeficiency due to LRBA deficiency. Also called: Common variable immunodeficiency 8, with autoimmunity. Identifiers: Orphanet 445018, MedGen C3553512, MONDO:0013863, OMIM 614700.

Allele frequency attached by ClinVar (database versions not stated): TOPMed 0.00001.
gnomAD v4.1: 5 of 1,605,046 alleles (0.00031%); highest among the groups gnomAD compares: South Asian, 0.0011%; no homozygotes.

Submission:

Labcorp Genetics (formerly Invitae), Labcorp
Classification: Uncertain significance for Combined immunodeficiency due to LRBA deficiency. Last evaluated: 2023-10-13. Review status: criteria provided, single submitter. Criteria: Invitae Variant Classification Sherloc (09022015). Collection method: clinical testing. Allele origin: germline.
Comment: This sequence change replaces arginine, which is basic and polar, with glutamine, which is neutral and polar, at codon 1441 of the LRBA protein (p.Arg1441Gln). This variant is not present in population databases (gnomAD no frequency). This variant has not been reported in the literature in individuals affected with LRBA-related conditions. ClinVar contains an entry for this variant (Variation ID: 1908180). Advanced modeling of protein sequence and biophysical properties (such as structural, functional, and spatial information, amino acid conservation, physicochemical variation, residue mobility, and thermodynamic stability) performed at Invitae indicates that this missense variant is expected to disrupt LRBA protein function. In summary, the available evidence is currently insufficient to determine the role of this variant in disease. Therefore, it has been classified as a Variant of Uncertain Significance.